The following is an entry in ClinVar:

NM_000179.3(MSH6):c.697_698del (p.Gln232_Pro233insTer)

Gene: MSH6 (mutS homolog 6; plus strand). Cytogenetic location: 2p16.3.
Variant type: Deletion.
Coding change: c.697_698del on transcript NM_000179.3 (MANE Select); coding-DNA positions 697 to 698, 2 bases deleted (CC; older notation c.697_698delCC).
Protein change: p.Gln232_Pro233insTer.
Molecular consequence: nonsense. On other transcripts: 5 prime UTR variant (2).
Genome position (GRCh38, 1-based): chr2:47,798,680-47,798,681, CC deleted. VCF-style (leftmost placement, unchanged base first): chr2-47798679-GCC-G. GRCh37 (hg19) VCF-style: chr2-48025818-GCC-G.
Other names: c.307_308del, p.Gln102_Pro103insTer (NM_001281492.2); c.-210_-209del (NM_001281493.2, NM_001281494.2); c.697_698delCC (NM_000179.2).
Identifiers: ClinVar variation 647286 (VCV000647286.7), dbSNP rs1572720016, ClinGen allele CA915943800.

ClinVar aggregate classification (germline): Pathogenic (1 of 4 stars; one submission).

Conditions:
Hereditary nonpolyposis colorectal neoplasms. Identifiers: MedGen C0009405, MeSH D003123.

Submission:

Labcorp Genetics (formerly Invitae), Labcorp
Classification: Pathogenic for Hereditary nonpolyposis colorectal neoplasms. Last evaluated: 2018-12-13. Review status: criteria provided, single submitter. Criteria: Invitae Variant Classification Sherloc (09022015). Collection method: clinical testing. Allele origin: germline.
Comment: For these reasons, this variant has been classified as Pathogenic. Loss-of-function variants in MSH6 are known to be pathogenic (PMID: 18269114, 24362816). This variant has not been reported in the literature in individuals with MSH6-related disease. This variant is not present in population databases (ExAC no frequency). This sequence change creates a premature translational stop signal (p.Pro233*) in the MSH6 gene. It is expected to result in an absent or disrupted protein product.

Literature cited by the submitters: PubMed 18269114; PubMed 24362816.